The following is an entry in ClinVar:

NM_003906.5(MCM3AP):c.4934G>A (p.Arg1645Gln)

Genes: MCM3AP (minichromosome maintenance complex component 3 associated protein; minus strand), MCM3AP-AS1 (MCM3AP antisense RNA 1; plus strand). Cytogenetic location: 21q22.3.
Variant type: single nucleotide variant.
Coding change: c.4934G>A on transcript NM_003906.5 (MANE Select); coding-DNA position 4934, G replaced by A.
Protein change: p.Arg1645Gln; replaces arginine 1645 with glutamine.
Molecular consequence: missense variant.
Genome position (GRCh38, 1-based): chr21:46,244,911, C>T on the plus strand (G>A on the coding strand, the complement: MCM3AP is on the minus strand). VCF-style: chr21-46244911-C-T. GRCh37 (hg19) VCF-style: chr21-47664825-C-T.
Other names: c.4934G>A (NM_003906.3); short protein forms R1645Q.
Identifiers: ClinVar variation 1923525 (VCV001923525.4), dbSNP rs2080737926, ClinGen allele CA410543021.

ClinVar aggregate classification (germline): Conflicting classifications of pathogenicity. Review status: criteria provided, conflicting classifications (1 of 4 stars). 2 submissions from 2 submitters: Uncertain significance (1); Likely benign (1). Last evaluated 2024-08-20.

Conditions:
Inborn genetic diseases. Identifiers: MedGen C0950123, MeSH D030342.

Allele frequency attached by ClinVar (database versions not stated): gnomAD 0.00001; TOPMed 0.00001; gnomAD exomes 0.00002.
gnomAD v4.1: 30 of 1,614,026 alleles (0.0019%); highest among the groups gnomAD compares: South Asian, 0.012%; no homozygotes.

Submissions (2):

Ambry Genetics
Classification: Likely benign for Inborn genetic diseases. Last evaluated: 2024-08-20. Review status: criteria provided, single submitter. Criteria: Ambry Variant Classification Scheme 2023. Collection method: clinical testing. Allele origin: germline.

Labcorp Genetics (formerly Invitae), Labcorp
Classification: Uncertain significance. Last evaluated: 2022-05-30. Review status: criteria provided, single submitter. Criteria: Invitae Variant Classification Sherloc (09022015). Collection method: clinical testing. Allele origin: germline.
Comment: This sequence change replaces arginine, which is basic and polar, with glutamine, which is neutral and polar, at codon 1645 of the MCM3AP protein (p.Arg1645Gln). In summary, the available evidence is currently insufficient to determine the role of this variant in disease. Therefore, it has been classified as a Variant of Uncertain Significance. Algorithms developed to predict the effect of missense changes on protein structure and function output the following: SIFT: "Tolerated"; PolyPhen-2: "Benign"; Align-GVGD: "Class C0". The glutamine amino acid residue is found in multiple mammalian species, which suggests that this missense change does not adversely affect protein function. This variant has not been reported in the literature in individuals affected with MCM3AP-related conditions. This variant is not present in population databases (gnomAD no frequency).